The following is an entry in ClinVar:

ClinVar aggregate classification (germline): Uncertain significance (1 of 4 stars; one submission).

Conditions:
Hereditary cancer-predisposing syndrome. Also called: Hereditary Cancer Syndrome; Hereditary neoplastic syndrome; Neoplastic Syndromes, Hereditary; Tumor predisposition. Identifiers: Orphanet 140162, MedGen C0027672, MeSH D009386, MONDO:0015356.

Submission:

Ambry Genetics
Classification: Uncertain significance for Hereditary cancer-predisposing syndrome. Last evaluated: 2024-10-21. Review status: criteria provided, single submitter. Criteria: Ambry Variant Classification Scheme 2023. Collection method: clinical testing. Allele origin: germline.
Comment: The p.A309V variant (also known as c.926C>T), located in coding exon 6 of the NTHL1 gene, results from a C to T substitution at nucleotide position 926. The alanine at codon 309 is replaced by valine, an amino acid with similar properties. This amino acid position is highly conserved in available vertebrate species. In addition, the in silico prediction for this alteration is inconclusive. Since supporting evidence is limited at this time, the clinical significance of this alteration remains unclear.

NM_002528.7(NTHL1):c.902C>T (p.Ala301Val)

Gene: NTHL1 (nth like DNA glycosylase 1; minus strand). Cytogenetic location: 16p13.3.
Variant type: single nucleotide variant.
Coding change: c.902C>T on transcript NM_002528.7 (MANE Select); coding-DNA position 902, C replaced by T.
Protein change: p.Ala301Val; replaces alanine 301 with valine.
Molecular consequence: missense variant.
Genome position (GRCh38, 1-based): chr16:2,039,937, G>A on the plus strand (C>T on the coding strand, the complement: NTHL1 is on the minus strand). VCF-style: chr16-2039937-G-A. GRCh37 (hg19) VCF-style: chr16-2089938-G-A.
Other names: c.731C>T, p.Ala244Val (NM_001318193.2); c.572C>T, p.Ala191Val (NM_001318194.2); short protein forms A301V, A191V, A244V.
Identifiers: ClinVar variation 1766391 (VCV001766391.3), dbSNP rs2084236056, ClinGen allele CA394286973.